The following is an entry in ClinVar:

ClinVar aggregate classification (germline): Uncertain significance (1 of 4 stars; one submission).

Submission:

CeGaT Center for Human Genetics Tuebingen
Classification: Uncertain significance. Last evaluated: 2025-10-01. Review status: criteria provided, single submitter. Criteria: CeGaT Center For Human Genetics Tuebingen Variant Classification Criteria Version 2. Collection method: clinical testing. Allele origin: germline. Affected: yes. Observed: 1 variant allele.
Comment: WDR26: PM2

NM_001379403.1(WDR26):c.460G>A (p.Ala154Thr)

Gene: WDR26 (WD repeat domain 26; minus strand). Cytogenetic location: 1q42.12.
Variant type: single nucleotide variant.
Coding change: c.460G>A on transcript NM_001379403.1 (MANE Select); coding-DNA position 460, G replaced by A.
Protein change: p.Ala154Thr; replaces alanine 154 with threonine.
Molecular consequence: missense variant.
Genome position (GRCh38, 1-based): chr1:224,433,946, C>T on the plus strand (G>A on the coding strand, the complement: WDR26 is on the minus strand). VCF-style: chr1-224433946-C-T. GRCh37 (hg19) VCF-style: chr1-224621648-C-T.
Other names: c.160G>A, p.Ala54Thr (NM_001115113.3, NM_025160.7); short protein forms A154T, A54T.
Identifiers: ClinVar variation 4535087 (VCV004535087.6).